The following is an entry in ClinVar:

ClinVar aggregate classification (germline): Benign (0 of 4 stars; one submission).

Conditions:
PLXNA4-related disorder. Also called: PLXNA4-related condition.

Allele frequency attached by ClinVar (database versions not stated): gnomAD exomes 0.01799; ExAC 0.05005; ESP Exome Variant Server 0.05548; gnomAD 0.07173; TOPMed 0.08666; 1000 Genomes Project 0.12121; 1000 Genomes Project 30x 0.12508.
gnomAD v4.1: 37,854 of 1,613,976 alleles (2.3%); highest among the groups gnomAD compares: Admixed American, 20%; 3,173 homozygotes.

Submission:

PreventionGenetics, part of Exact Sciences
Classification: Benign for PLXNA4-related condition. Last evaluated: 2022-08-01. Review status: no assertion criteria provided. Collection method: clinical testing. Allele origin: germline.
Comment: This variant is classified as benign based on ACMG/AMP sequence variant interpretation guidelines (Richards et al. 2015 PMID: 25741868, with internal and published modifications).

NM_020911.2(PLXNA4):c.3108T>C (p.Tyr1036=)

Gene: PLXNA4 (plexin A4; minus strand). Cytogenetic location: 7q32.3.
Variant type: single nucleotide variant.
Coding change: c.3108T>C on transcript NM_020911.2 (MANE Select); coding-DNA position 3108, T replaced by C.
Protein change: p.Tyr1036=; no amino-acid change (tyrosine 1036 retained).
Molecular consequence: synonymous variant.
Genome position (GRCh38, 1-based): chr7:132,185,349, A>G on the plus strand (T>C on the coding strand, the complement: PLXNA4 is on the minus strand). VCF-style: chr7-132185349-A-G. GRCh37 (hg19) VCF-style: chr7-131870108-A-G.
Other names: c.3108T>C, p.Tyr1036= (NM_001393897.1).
Identifiers: ClinVar variation 3059982 (VCV003059982.2), dbSNP rs3734980, ClinGen allele CA4489612.